The following is an entry in ClinVar:

ClinVar aggregate classification (germline): Uncertain significance (1 of 4 stars; one submission).

Conditions:
Cardiovascular phenotype. Identifiers: MedGen CN230736.

Allele frequency attached by ClinVar (database versions not stated): TOPMed below 0.00001.
gnomAD v4.1: 3 of 1,614,182 alleles (0.00019%); highest among the groups gnomAD compares: Non-Finnish European, 0.00025%; no homozygotes.

Submission:

Ambry Genetics
Classification: Uncertain significance for Cardiovascular phenotype. Last evaluated: 2026-07-02. Review status: criteria provided, single submitter. Criteria: Ambry Variant Classification Scheme 2023. Collection method: clinical testing. Allele origin: germline.
Comment: The p.D1771V variant (also known as c.5312A>T), located in coding exon 26 of the APOB gene, results from an A to T substitution at nucleotide position 5312. The aspartic acid at codon 1771 is replaced by valine, an amino acid with highly dissimilar properties. This amino acid position is conserved. In addition, this alteration is predicted to be tolerated by in silico analysis. Based on the available evidence, the clinical significance of this variant remains unclear.

NM_000384.3(APOB):c.5312A>T (p.Asp1771Val)

Gene: APOB (apolipoprotein B; minus strand). Cytogenetic location: 2p24.1.
Variant type: single nucleotide variant.
Coding change: c.5312A>T on transcript NM_000384.3 (MANE Select); coding-DNA position 5312, A replaced by T.
Protein change: p.Asp1771Val; replaces aspartic acid 1771 with valine.
Molecular consequence: missense variant.
Genome position (GRCh38, 1-based): chr2:21,011,556, T>A on the plus strand (A>T on the coding strand, the complement: APOB is on the minus strand). VCF-style: chr2-21011556-T-A. GRCh37 (hg19) VCF-style: chr2-21234428-T-A.
Other names: short protein forms D1771V.
Identifiers: ClinVar variation 5027432 (VCV005027432.1), dbSNP rs1417336325.